The following is an entry in ClinVar:

ClinVar aggregate classification (germline): Conflicting classifications of pathogenicity. Review status: criteria provided, conflicting classifications (1 of 4 stars). 4 submissions from 4 submitters: Uncertain significance (3); Likely benign (1). Last evaluated 2025-11-20.

Allele frequency attached by ClinVar (database versions not stated): gnomAD exomes 0.00002; 1000 Genomes Project 30x 0.00031; gnomAD 0.00005; ExAC 0.00006; TOPMed 0.00005; 1000 Genomes Project 0.00040.

Submissions (4):

Labcorp Genetics (formerly Invitae), Labcorp
Classification: Uncertain significance. Last evaluated: 2025-11-20. Review status: criteria provided, single submitter. Criteria: Invitae Variant Classification Sherloc (09022015). Collection method: clinical testing. Allele origin: germline.
Comment: This sequence change replaces arginine, which is basic and polar, with cysteine, which is neutral and slightly polar, at codon 1902 of the NOTCH3 protein (p.Arg1902Cys). This variant is present in population databases (rs576516079, gnomAD 0.03%). This missense change has been observed in individual(s) with clinical features of NOTCH3-related conditions (PMID: 37479695). ClinVar contains an entry for this variant (Variation ID: 2725959). Invitae Evidence Modeling of protein sequence and biophysical properties (such as structural, functional, and spatial information, amino acid conservation, physicochemical variation, residue mobility, and thermodynamic stability) has been performed for this missense variant. However, the output from this modeling did not meet the statistical confidence thresholds required to predict the impact of this variant on NOTCH3 protein function. In summary, the available evidence is currently insufficient to determine the role of this variant in disease. Therefore, it has been classified as a Variant of Uncertain Significance.

Dasa
Classification: Uncertain significance. Last evaluated: 2025-06-19. Review status: criteria provided, single submitter. Criteria: DASA Assertion Criteria. Collection method: clinical testing. Allele origin: germline.
Comment: NM_000435.3(NOTCH3):c.5704C>T (p.Arg1902Cys) is a missense variant that results in the substitution of arginine with cysteine. This variant is rare in population databases. The currently available literature and clinical evidence are not sufficient to establish a definitive association between this variant and the reported condition. Therefore, this variant is classified as a variant of uncertain significance.

Athena Diagnostics
Classification: Likely benign. Last evaluated: 2024-08-07. Review status: criteria provided, single submitter. Criteria: Athena Diagnostics Criteria. Collection method: clinical testing. Allele origin: unknown.

ARUP Laboratories, Molecular Genetics and Genomics, ARUP Laboratories
Classification: Uncertain significance. Last evaluated: 2023-03-28. Review status: criteria provided, single submitter. Criteria: ARUP Molecular Germline Variant Investigation Process 2024. Collection method: clinical testing. Allele origin: germline.
Comment: The NOTCH3 c.5704C>T; p.Arg1902Cys variant (rs576516079), to our knowledge, is not reported in the medical literature or gene specific databases. This variant is observed in the general population with an overall allele frequency of 0.005% (13/281394 alleles) in the Genome Aggregation Database. Computational analyses are uncertain whether this variant is neutral or deleterious (REVEL: 0.512). Nearly all CADASIL-associated pathogenic variants in NOTCH3 occur in exons 2-24 and either create or destroy a cysteine residue in one of the EGF-like domains (see Rutten 2014). Variants outside exons 2-24 have largely not been established to cause disease. The p.Arg1902Cys variant is located in exon 31 of the NOTCH3 gene. Due to limited information, the clinical significance of this variant is uncertain at this time. References: Rutten JW et al. Interpretation of NOTCH3 mutations in the diagnosis of CADASIL. Expert Rev Mol Diagn. 2014 Jun;14(5):593-603.

Literature cited by the submitters: PubMed 37479695 (cited by Labcorp Genetics (formerly Invitae), Labcorp and Athena Diagnostics).

NM_000435.3(NOTCH3):c.5704C>T (p.Arg1902Cys)

Gene: NOTCH3 (notch receptor 3; minus strand). Cytogenetic location: 19p13.12.
Variant type: single nucleotide variant.
Coding change: c.5704C>T on transcript NM_000435.3 (MANE Select); coding-DNA position 5704, C replaced by T.
Protein change: p.Arg1902Cys; replaces arginine 1902 with cysteine.
Molecular consequence: missense variant.
Genome position (GRCh38, 1-based): chr19:15,165,479, G>A on the plus strand (C>T on the coding strand, the complement: NOTCH3 is on the minus strand). VCF-style: chr19-15165479-G-A. GRCh37 (hg19) VCF-style: chr19-15276290-G-A.
Other names: c.5704C>T (NM_000435.2); short protein forms R1902C.
Identifiers: ClinVar variation 2725959 (VCV002725959.7), dbSNP rs576516079, ClinGen allele CA9262559.